The following is an entry in ClinVar:

ClinVar aggregate classification (germline): Pathogenic/Likely pathogenic. Review status: criteria provided, multiple submitters, no conflicts (2 of 4 stars). 3 submissions from 3 submitters: Pathogenic (2); Likely pathogenic (1). Last evaluated 2023-03-15.

Conditions:
L1CAM-related disorders.
Spastic paraplegia. Identifiers: MedGen C0037772, HP:0001258.
X-linked hydrocephalus syndrome (HYCX). Also called: X-Linked Hydrocephalus with Stenosis of the Aqueduct of Sylvius (HSAS); AQUEDUCTAL STENOSIS, X-LINKED; X-Linked Hydrocephalus with Stenosis of the Aqueduct of Sylvius; HYDROCEPHALUS, CONGENITAL, X-LINKED; X-linked hydrocephalus. Identifiers: Orphanet 2182, MedGen C0265216, MONDO:0010611, OMIM 307000.

Submissions (3):

Labcorp Genetics (formerly Invitae), Labcorp
Classification: Pathogenic for Spastic paraplegia. Last evaluated: 2023-03-15. Review status: criteria provided, single submitter. Criteria: Invitae Variant Classification Sherloc (09022015). Collection method: clinical testing. Allele origin: germline.
Comment: For these reasons, this variant has been classified as Pathogenic. Algorithms developed to predict the effect of sequence changes on RNA splicing suggest that this variant may disrupt the consensus splice site. This sequence change creates a premature translational stop signal (p.Ser1018*) in the L1CAM gene. It is expected to result in an absent or disrupted protein product. Loss-of-function variants in L1CAM are known to be pathogenic (PMID: 19846429). This variant is not present in population databases (gnomAD no frequency). This variant has not been reported in the literature in individuals affected with L1CAM-related conditions. ClinVar contains an entry for this variant (Variation ID: 435689).

Blueprint Genetics
Classification: Likely pathogenic for L1CAM-related disorders. Last evaluated: 2022-05-10. Review status: criteria provided, single submitter. Criteria: ACMG Guidelines, 2015. Collection method: clinical testing. Allele origin: germline. Affected: yes. Observed: 3 variant alleles.

Genetic Services Laboratory, University of Chicago
Classification: Pathogenic for Hydrocephalus due to aqueductal stenosis. Last evaluated: 2015-12-03. Review status: criteria provided, single submitter. Criteria: ACMG Guidelines, 2015. Collection method: clinical testing. Allele origin: germline. Affected: yes.

Literature cited by the submitters: PubMed 19846429 (cited by Labcorp Genetics (formerly Invitae), Labcorp).

NM_001278116.2(L1CAM):c.3053C>G (p.Ser1018Ter)

Gene: L1CAM (L1 cell adhesion molecule; minus strand). Cytogenetic location: Xq28.
Variant type: single nucleotide variant.
Coding change: c.3053C>G on transcript NM_001278116.2 (MANE Select); coding-DNA position 3053, C replaced by G.
Protein change: p.Ser1018Ter; replaces serine 1018 with a stop codon.
Molecular consequence: nonsense.
Genome position (GRCh38, 1-based): chrX:153,864,698, G>C on the plus strand (C>G on the coding strand, the complement: L1CAM is on the minus strand). VCF-style: chrX-153864698-G-C. GRCh37 (hg19) VCF-style: chrX-153130153-G-C.
Other names: c.3053C>G, p.Ser1018Ter (NM_000425.5, NM_024003.3); c.3038C>G, p.Ser1013Ter (NM_001143963.2); short protein forms S1018*, S1013*.
Identifiers: ClinVar variation 435689 (VCV000435689.10), dbSNP rs1557090161, ClinGen allele CA415113518.
Genomic context (GRCh38, chrX:153,864,698, plus strand): 5'-GGGACCCAGGAGACGACACTGTAGTTTTCACCCGCTGTGGCTGAGATGTTGCCAAAATCT[G>C]AGATCCCTGGGGGGATGCAGGGGAACGAGGAGAGTGTGGCAGCTGCCAGGAAGTCTAAGG-3'